The following is an entry in ClinVar:

NM_006277.3(ITSN2):c.2930C>T (p.Ser977Leu)

Gene: ITSN2 (intersectin 2; minus strand). Cytogenetic location: 2p23.3.
Variant type: single nucleotide variant.
Coding change: c.2930C>T on transcript NM_006277.3 (MANE Select); coding-DNA position 2930, C replaced by T.
Protein change: p.Ser977Leu; replaces serine 977 with leucine.
Molecular consequence: missense variant.
Genome position (GRCh38, 1-based): chr2:24,254,390, G>A on the plus strand (C>T on the coding strand, the complement: ITSN2 is on the minus strand). VCF-style: chr2-24254390-G-A. GRCh37 (hg19) VCF-style: chr2-24477259-G-A.
Other names: c.2888C>T, p.Ser963Leu (NM_001348181.2); c.2810C>T, p.Ser937Leu (NM_001348182.2, NM_001348186.2); c.2849C>T, p.Ser950Leu (NM_001348183.2, NM_019595.4); c.2807C>T, p.Ser936Leu (NM_001348184.2); c.2891C>T, p.Ser964Leu (NM_001348185.2); c.2930C>T, p.Ser977Leu (NM_147152.3); short protein forms S950L, S937L, S963L, S977L, S964L, S936L.
Identifiers: ClinVar variation 2883630 (VCV002883630.3), dbSNP rs778243517, ClinGen allele CA1551055.

ClinVar aggregate classification (germline): Uncertain significance (1 of 4 stars; one submission).

Allele frequency attached by ClinVar (database versions not stated): gnomAD exomes 0.00002; gnomAD 0.00003; ExAC 0.00004; TOPMed 0.00005.
gnomAD v4.1: 33 of 1,612,294 alleles (0.002%); highest among the groups gnomAD compares: Admixed American, 0.0033%; no homozygotes.

Submission:

Labcorp Genetics (formerly Invitae), Labcorp
Classification: Uncertain significance. Last evaluated: 2025-07-02. Review status: criteria provided, single submitter. Criteria: Invitae Variant Classification Sherloc (09022015). Collection method: clinical testing. Allele origin: germline.
Comment: This sequence change replaces serine, which is neutral and polar, with leucine, which is neutral and non-polar, at codon 977 of the ITSN2 protein (p.Ser977Leu). This variant is present in population databases (rs778243517, gnomAD 0.008%). This variant has not been reported in the literature in individuals affected with ITSN2-related conditions. ClinVar contains an entry for this variant (Variation ID: 2883630). Experimental studies and prediction algorithms are not available or were not evaluated, and the functional significance of this variant is currently unknown. In summary, the available evidence is currently insufficient to determine the role of this variant in disease. Therefore, it has been classified as a Variant of Uncertain Significance.